The following is an entry in ClinVar:

ClinVar aggregate classification (germline): Conflicting classifications of pathogenicity. Review status: criteria provided, conflicting classifications (1 of 4 stars). 3 submissions from 3 submitters: Uncertain significance (2); Likely benign (1). Last evaluated 2026-01-20.

Conditions:
Hereditary cancer-predisposing syndrome. Also called: Neoplastic Syndromes, Hereditary; Hereditary Cancer Syndrome; Hereditary neoplastic syndrome; Tumor predisposition. Identifiers: Orphanet 140162, MedGen C0027672, MeSH D009386, MONDO:0015356.

Allele frequency attached by ClinVar (database versions not stated): gnomAD 0.00001 and 0.00003; TOPMed 0.00001; gnomAD exomes 0.00004; ExAC 0.00007; 1000 Genomes Project 30x 0.00016; 1000 Genomes Project 0.00020.
gnomAD v4.1: 62 of 1,614,190 alleles (0.0038%); highest among the groups gnomAD compares: East Asian, 0.13%; no homozygotes.

Submissions (3):

Labcorp Genetics (formerly Invitae), Labcorp
Classification: Uncertain significance. Last evaluated: 2026-01-20. Review status: criteria provided, single submitter. Criteria: Invitae Variant Classification Sherloc (09022015). Collection method: clinical testing. Allele origin: germline.
Comment: This sequence change replaces threonine, which is neutral and polar, with alanine, which is neutral and non-polar, at codon 26 of the POLE protein (p.Thr26Ala). This variant is present in population databases (rs182282150, gnomAD 0.06%). This variant has not been reported in the literature in individuals affected with POLE-related conditions. ClinVar contains an entry for this variant (Variation ID: 540804). Invitae Evidence Modeling of protein sequence and biophysical properties (such as structural, functional, and spatial information, amino acid conservation, physicochemical variation, residue mobility, and thermodynamic stability) indicates that this missense variant is not expected to disrupt POLE protein function with a negative predictive value of 80%. In summary, the available evidence is currently insufficient to determine the role of this variant in disease. Therefore, it has been classified as a Variant of Uncertain Significance.

Ambry Genetics
Classification: Likely benign for Hereditary cancer-predisposing syndrome. Last evaluated: 2024-09-10. Review status: criteria provided, single submitter. Criteria: Ambry Variant Classification Scheme 2023. Collection method: clinical testing. Allele origin: germline.

GeneDx
Classification: Uncertain significance. Last evaluated: 2022-11-09. Review status: criteria provided, single submitter. Criteria: GeneDx Variant Classification Process June 2021. Collection method: clinical testing. Allele origin: germline. Affected: yes.
Comment: In silico analysis supports that this missense variant does not alter protein structure/function; Has not been previously published as pathogenic or benign to our knowledge; This variant is associated with the following publications: (PMID: 29338689)

NM_006231.4(POLE):c.76A>G (p.Thr26Ala)

Gene: POLE (DNA polymerase epsilon, catalytic subunit; minus strand). Cytogenetic location: 12q24.33.
Variant type: single nucleotide variant.
Coding change: c.76A>G on transcript NM_006231.4 (MANE Select); coding-DNA position 76, A replaced by G.
Protein change: p.Thr26Ala; replaces threonine 26 with alanine.
Molecular consequence: missense variant.
Genome position (GRCh38, 1-based): chr12:132,681,266, T>C on the plus strand (A>G on the coding strand, the complement: POLE is on the minus strand). VCF-style: chr12-132681266-T-C. GRCh37 (hg19) VCF-style: chr12-133257852-T-C.
Other names: short protein forms T26A.
Identifiers: ClinVar variation 540804 (VCV000540804.12), dbSNP rs182282150, ClinGen allele CA6894451.